The following is an entry in ClinVar:

NM_001035.3(RYR2):c.8224A>G (p.Ile2742Val)

Gene: RYR2 (ryanodine receptor 2; plus strand). Cytogenetic location: 1q43.
Variant type: single nucleotide variant.
Coding change: c.8224A>G on transcript NM_001035.3 (MANE Select); coding-DNA position 8224, A replaced by G.
Protein change: p.Ile2742Val; replaces isoleucine 2742 with valine.
Molecular consequence: missense variant.
Genome position (GRCh38, 1-based): chr1:237,660,000, A>G. VCF-style: chr1-237660000-A-G. GRCh37 (hg19) VCF-style: chr1-237823300-A-G.
Other names: short protein forms I2742V.
Identifiers: ClinVar variation 3071904 (VCV003071904.3), dbSNP rs1438045891, ClinGen allele CA345401339.

ClinVar aggregate classification (germline): Conflicting classifications of pathogenicity. Review status: criteria provided, conflicting classifications (1 of 4 stars). 2 submissions from 2 submitters: Uncertain significance (1); Likely benign (1). Last evaluated 2025-01-16.

Conditions:
Catecholaminergic polymorphic ventricular tachycardia (CVPT). Also called: Catecholamine-induced polymorphic ventricular tachycardia. Identifiers: Orphanet 3286, MedGen C5574922, MONDO:0017990.
Catecholaminergic polymorphic ventricular tachycardia 1. Also called: VENTRICULAR TACHYCARDIA, CATECHOLAMINERGIC POLYMORPHIC, 1, WITH OR WITHOUT ATRIAL DYSFUNCTION AND/OR DILATED CARDIOMYOPATHY; RYR2-Related Catecholaminergic Polymorphic Ventricular Tachycardia; VENTRICULAR TACHYCARDIA, STRESS-INDUCED POLYMORPHIC 1. Identifiers: Orphanet 3286, MedGen C1631597, MONDO:0011484, OMIM 604772.

Allele frequency attached by ClinVar (database versions not stated): gnomAD exomes below 0.00001; TOPMed 0.00001.
gnomAD v4.1: 2 of 1,587,036 alleles (0.00013%); highest among the groups gnomAD compares: African/African-American, 0.0027%; no homozygotes.

Submissions (2):

Labcorp Genetics (formerly Invitae), Labcorp
Classification: Likely benign for Catecholaminergic polymorphic ventricular tachycardia 1. Last evaluated: 2025-01-16. Review status: criteria provided, single submitter. Criteria: Invitae Variant Classification Sherloc (09022015). Collection method: clinical testing. Allele origin: germline.

All of Us Research Program, National Institutes of Health
Classification: Uncertain significance for Catecholaminergic polymorphic ventricular tachycardia. Last evaluated: 2023-06-26. Review status: criteria provided, single submitter. Criteria: ACMG Guidelines, 2015. Collection method: clinical testing. Allele origin: germline. Inheritance: Autosomal dominant inheritance. Observed: 1 variant allele, 1 heterozygote.
Comment: This missense variant replaces isoleucine with valine at codon 2742 of the RYR2 protein. Computational prediction suggests that this variant may not impact protein structure and function (internally defined REVEL score threshold <= 0.5, PMID: 27666373). To our knowledge, functional studies have not been reported for this variant. This variant has not been reported in individuals affected with RYR2-related disorders in the literature. This variant has been identified in 1/225454 chromosomes in the general population by the Genome Aggregation Database (gnomAD). The available evidence is insufficient to determine the role of this variant in disease conclusively. Therefore, this variant is classified as a Variant of Uncertain Significance.

This study involves interpretation of variants in research participants for the purpose of population health screening. Participant phenotype was not available at the time of variant classification. Additional details can be found in publication PMID: 35346344, PMCID: PMC8962531